The following is an entry in ClinVar:

ClinVar aggregate classification (germline): Uncertain significance (1 of 4 stars; one submission).

Conditions:
Baller-Gerold syndrome (BGS). Also called: CRANIOSYNOSTOSIS WITH RADIAL DEFECTS. Identifiers: Orphanet 1225, MedGen C0265308, MONDO:0009039, OMIM 218600.

Allele frequency attached by ClinVar (database versions not stated): gnomAD exomes below 0.00001; TOPMed below 0.00001.

Submission:

Labcorp Genetics (formerly Invitae), Labcorp
Classification: Uncertain significance for Baller-Gerold syndrome. Last evaluated: 2023-09-08. Review status: criteria provided, single submitter. Criteria: Invitae Variant Classification Sherloc (09022015). Collection method: clinical testing. Allele origin: germline.
Comment: In summary, the available evidence is currently insufficient to determine the role of this variant in disease. Therefore, it has been classified as a Variant of Uncertain Significance. Advanced modeling of protein sequence and biophysical properties (such as structural, functional, and spatial information, amino acid conservation, physicochemical variation, residue mobility, and thermodynamic stability) performed at Invitae indicates that this missense variant is not expected to disrupt RECQL4 protein function. ClinVar contains an entry for this variant (Variation ID: 1485354). This variant has not been reported in the literature in individuals affected with RECQL4-related conditions. This variant is not present in population databases (gnomAD no frequency). This sequence change replaces serine, which is neutral and polar, with threonine, which is neutral and polar, at codon 520 of the RECQL4 protein (p.Ser520Thr).

NM_004260.4(RECQL4):c.1559G>C (p.Ser520Thr)

Gene: RECQL4 (RecQ like helicase 4; minus strand). Cytogenetic location: 8q24.3.
Variant type: single nucleotide variant.
Coding change: c.1559G>C on transcript NM_004260.4 (MANE Select); coding-DNA position 1559, G replaced by C.
Protein change: p.Ser520Thr; replaces serine 520 with threonine.
Molecular consequence: missense variant.
Genome position (GRCh38, 1-based): chr8:144,514,997, C>G on the plus strand (G>C on the coding strand, the complement: RECQL4 is on the minus strand). VCF-style: chr8-144514997-C-G. GRCh37 (hg19) VCF-style: chr8-145740381-C-G.
Other names: short protein forms S520T.
Identifiers: ClinVar variation 1485354 (VCV001485354.6), dbSNP rs936553682, ClinGen allele CA187687009.
Genomic context (GRCh38, chr8:144,514,997, plus strand): 5'-TGGTCATCCATGAGTGACAGCAGGGGAGAGACGACCAACGTGAGGCAGGGGCTGCGCCGG[C>G]TGTAGAGCAGCGCTGGGAGCTGGTAGCACAGGGACTTGCCGGCACCTGTAGGCAGCACCA-3'
Protein context (NP_004251.4, residues 510-530): LCYQLPALLY[Ser520Thr]RRSPCLTLVV